The following is an entry in ClinVar:

NM_020937.4(FANCM):c.5340G>A (p.Lys1780=)

Gene: FANCM (FA complementation group M; plus strand). Cytogenetic location: 14q21.2.
Variant type: single nucleotide variant.
Coding change: c.5340G>A on transcript NM_020937.4 (MANE Select); coding-DNA position 5340, G replaced by A.
Protein change: p.Lys1780=; no amino-acid change (lysine 1780 retained).
Molecular consequence: synonymous variant.
Genome position (GRCh38, 1-based): chr14:45,189,362, G>A. VCF-style: chr14-45189362-G-A. GRCh37 (hg19) VCF-style: chr14-45658565-G-A.
Other names: c.5262G>A, p.Lys1754= (NM_001308133.2).
Identifiers: ClinVar variation 4533135 (VCV004533135.1).

ClinVar aggregate classification (germline): Uncertain significance (1 of 4 stars; one submission).

Submission:

Quest Diagnostics Nichols Institute San Juan Capistrano
Classification: Uncertain significance. Last evaluated: 2025-06-12. Review status: criteria provided, single submitter. Criteria: Quest Diagnostics criteria. Collection method: clinical testing. Allele origin: unknown.
Comment: The FANCM c.5340G>A (p.Lys1780=) synonymous variant has not been reported in individuals with FANCM-related conditions in the published literature. It also has not been reported in large, multi-ethnic general populations (Genome Aggregation Database). Analysis of this variant using software algorithms for the prediction of the effect of nucleotide changes on splicing yielded predictions that this variant may affect proper FANCM mRNA splicing. Based on the available information, we are unable to determine the clinical significance of this variant.